The following is an entry in ClinVar:

ClinVar aggregate classification (germline): Uncertain significance (1 of 4 stars; one submission).

Conditions:
Aortic aneurysm, familial thoracic 4 (AAT4). Also called: AORTIC ANEURYSM/AORTIC DISSECTION AND PATENT DUCTUS ARTERIOSUS. Identifiers: MedGen C1851504, MONDO:0007568, OMIM 132900.

Submission:

Labcorp Genetics (formerly Invitae), Labcorp
Classification: Uncertain significance for Aortic aneurysm, familial thoracic 4. Last evaluated: 2025-06-10. Review status: criteria provided, single submitter. Criteria: Invitae Variant Classification Sherloc (09022015). Collection method: clinical testing. Allele origin: germline.
Comment: This sequence change replaces histidine, which is basic and polar, with asparagine, which is neutral and polar, at codon 455 of the MYH11 protein (p.His455Asn). This variant is not present in population databases (gnomAD no frequency). This variant has not been reported in the literature in individuals affected with MYH11-related conditions. Invitae Evidence Modeling of protein sequence and biophysical properties (such as structural, functional, and spatial information, amino acid conservation, physicochemical variation, residue mobility, and thermodynamic stability) indicates that this missense variant is not expected to disrupt MYH11 protein function with a negative predictive value of 95%. In summary, the available evidence is currently insufficient to determine the role of this variant in disease. Therefore, it has been classified as a Variant of Uncertain Significance.

NM_002474.3(MYH11):c.1342C>A (p.His448Asn)

Gene: MYH11 (myosin heavy chain 11; minus strand). Cytogenetic location: 16p13.11.
Variant type: single nucleotide variant.
Coding change: c.1342C>A on transcript NM_002474.3 (MANE Select); coding-DNA position 1342, C replaced by A.
Protein change: p.His448Asn; replaces histidine 448 with asparagine.
Molecular consequence: missense variant.
Genome position (GRCh38, 1-based): chr16:15,759,635, G>T on the plus strand (C>A on the coding strand, the complement: MYH11 is on the minus strand). VCF-style: chr16-15759635-G-T. GRCh37 (hg19) VCF-style: chr16-15853492-G-T.
Other names: c.1363C>A, p.His455Asn (NM_001040113.2, NM_001040114.2); c.1342C>A, p.His448Asn (NM_022844.3); short protein forms H448N, H455N.
Identifiers: ClinVar variation 4745887 (VCV004745887.1).
Genomic context (GRCh38, chr16:15,759,635, plus strand): 5'-CCTCAAAGATCTCAAATCCAGCTATATCCAGGATCCCCAGGAAGGAAGCCCCTTGCCGAT[G>T]GGTCTTGTCCAGGGCTTTGTTCACGCGGGTGAGTATCCAGCGGAAAAGGCGCTCATATGT-3'
Protein context (NP_002465.1, residues 438-458): TRVNKALDKT[His448Asn]RQGASFLGIL